The following is an entry in ClinVar:

ClinVar aggregate classification (germline): Uncertain significance (1 of 4 stars; one submission).

Conditions:
Dyskeratosis congenita. Identifiers: Orphanet 1775, MedGen C0265965, MONDO:0015780.

Submission:

Ambry Genetics
Classification: Uncertain significance for Dyskeratosis congenita. Last evaluated: 2024-12-19. Review status: criteria provided, single submitter. Criteria: Ambry Variant Classification Scheme 2023. Collection method: clinical testing. Allele origin: germline.
Comment: The p.G241S variant (also known as c.721G>A), located in coding exon 2 of the TERT gene, results from a G to A substitution at nucleotide position 721. The glycine at codon 241 is replaced by serine, an amino acid with similar properties. This amino acid position is conserved. In addition, this alteration is predicted to be tolerated by in silico analysis. Based on the available evidence, the clinical significance of this variant remains unclear.

NM_198253.3(TERT):c.721G>A (p.Gly241Ser)

Gene: TERT (telomerase reverse transcriptase; minus strand). Cytogenetic location: 5p15.33.
Variant type: single nucleotide variant.
Coding change: c.721G>A on transcript NM_198253.3 (MANE Select); coding-DNA position 721, G replaced by A.
Protein change: p.Gly241Ser; replaces glycine 241 with serine.
Molecular consequence: missense variant. On other transcripts: non-coding transcript variant (2).
Genome position (GRCh38, 1-based): chr5:1,294,165, C>T on the plus strand (G>A on the coding strand, the complement: TERT is on the minus strand). VCF-style: chr5-1294165-C-T. GRCh37 (hg19) VCF-style: chr5-1294280-C-T.
Other names: c.721G>A, p.Gly241Ser (NM_001193376.3); short protein forms G241S.
Identifiers: ClinVar variation 3805755 (VCV003805755.1).